The following is an entry in ClinVar:

NM_000350.3(ABCA4):c.4003_4004del (p.Pro1335fs)

Gene: ABCA4 (ATP binding cassette subfamily A member 4; minus strand). Cytogenetic location: 1p22.1.
Variant type: Deletion.
Coding change: c.4003_4004del on transcript NM_000350.3 (MANE Select); coding-DNA positions 4003 to 4004, 2 bases deleted (CC; older notation c.4003_4004delCC).
Protein change: p.Pro1335fs; shifts the reading frame from proline 1335.
Molecular consequence: frameshift variant.
Genome position (GRCh38, 1-based): chr1:94,031,902-94,031,903, GG deleted on the plus strand (CC on the coding strand, the reverse complement: ABCA4 is on the minus strand); deleting any 2 consecutive bases within chr1:94,031,902-94,031,906 gives the same sequence; the c. name uses the placement nearest the transcript's 3' end. VCF-style (leftmost placement, unchanged base first): chr1-94031901-TGG-T. GRCh37 (hg19) VCF-style: chr1-94497457-TGG-T.
Other names: c.3778_3779delCC, p.Pro1261Argfs (NM_001425324.1); short protein forms P1335fs.
Identifiers: ClinVar variation 801511 (VCV000801511.8), dbSNP rs1571265241, ClinGen allele CA645372195.

ClinVar aggregate classification (germline): Pathogenic. Review status: criteria provided, multiple submitters, no conflicts (2 of 4 stars). 3 submissions from 3 submitters: Pathogenic (3). Last evaluated 2023-07-17.

Conditions:
ABCA4-related disorder. Also called: ABCA4-related condition; ABCA4-related disorders. Identifiers: MedGen CN239167.
Severe early-childhood-onset retinal dystrophy (STGD1). Also called: Stargardt macular dystrophy; Juvenile onset macular degeneration; Stargardt disease 1; MACULAR DYSTROPHY WITH FLECKS, TYPE 1; STGD. Identifiers: Orphanet 364055, Orphanet 827, MedGen C1855465, MeSH D000080362, MONDO:0009549, OMIM 248200.

Submissions (3):

Labcorp Genetics (formerly Invitae), Labcorp
Classification: Pathogenic. Last evaluated: 2023-07-17. Review status: criteria provided, single submitter. Criteria: Invitae Variant Classification Sherloc (09022015). Collection method: clinical testing. Allele origin: germline.
Comment: This premature translational stop signal has been observed in individual(s) with Stargardt disease (PMID: 23755871, 30093795). For these reasons, this variant has been classified as Pathogenic. ClinVar contains an entry for this variant (Variation ID: 801511). This variant is also known as c.4000_4001delCC. This variant is not present in population databases (gnomAD no frequency). This sequence change creates a premature translational stop signal (p.Pro1335Argfs*86) in the ABCA4 gene. It is expected to result in an absent or disrupted protein product. Loss-of-function variants in ABCA4 are known to be pathogenic (PMID: 10958761, 24938718, 25312043, 26780318).

Blueprint Genetics
Classification: Pathogenic for ABCA4-related disorders. Last evaluated: 2020-03-11. Review status: criteria provided, single submitter. Criteria: ACMG Guidelines, 2015. Collection method: clinical testing. Allele origin: germline. Affected: yes. Observed: 1 variant allele.

Mendelics
Classification: Pathogenic for Severe early-childhood-onset retinal dystrophy. Last evaluated: 2019-05-28. Review status: criteria provided, single submitter. Criteria: Mendelics Assertion Criteria 2017. Collection method: clinical testing. Allele origin: unknown.

Literature cited by the submitters: PubMed 23755871 (cited by Labcorp Genetics (formerly Invitae), Labcorp); PubMed 30093795 (cited by Labcorp Genetics (formerly Invitae), Labcorp); PubMed 10958761 (cited by Labcorp Genetics (formerly Invitae), Labcorp); PubMed 24938718 (cited by Labcorp Genetics (formerly Invitae), Labcorp); PubMed 25312043 (cited by Labcorp Genetics (formerly Invitae), Labcorp); PubMed 26780318 (cited by Labcorp Genetics (formerly Invitae), Labcorp).